The following is an entry in ClinVar:

ClinVar aggregate classification (germline): Uncertain significance. Review status: criteria provided, multiple submitters, no conflicts (2 of 4 stars). 2 submissions from 2 submitters: Uncertain significance (2). Last evaluated 2025-05-18.

Allele frequency attached by ClinVar (database versions not stated): gnomAD exomes 0.00001 and 0.00004; ExAC 0.00005; TOPMed 0.00014; ESP Exome Variant Server 0.00015; gnomAD 0.00015.
gnomAD v4.1: 35 of 1,557,240 alleles (0.0022%); highest among the groups gnomAD compares: African/African-American, 0.047%; no homozygotes.

Submissions (2):

Ambry Genetics
Classification: Uncertain significance. Last evaluated: 2025-05-18. Review status: criteria provided, single submitter. Criteria: Ambry Variant Classification Scheme 2023. Collection method: clinical testing. Allele origin: germline.

Labcorp Genetics (formerly Invitae), Labcorp
Classification: Uncertain significance. Last evaluated: 2023-05-08. Review status: criteria provided, single submitter. Criteria: Invitae Variant Classification Sherloc (09022015). Collection method: clinical testing. Allele origin: germline.
Comment: This variant has not been reported in the literature in individuals affected with GUF1-related conditions. ClinVar contains an entry for this variant (Variation ID: 1444017). An algorithm developed to predict the effect of missense changes on protein structure and function (PolyPhen-2) suggests that this variant is likely to be disruptive. In summary, the available evidence is currently insufficient to determine the role of this variant in disease. Therefore, it has been classified as a Variant of Uncertain Significance. This variant is present in population databases (rs374573876, gnomAD 0.05%). This sequence change replaces threonine, which is neutral and polar, with isoleucine, which is neutral and non-polar, at codon 568 of the GUF1 protein (p.Thr568Ile).

NM_021927.3(GUF1):c.1703C>T (p.Thr568Ile)

Gene: GUF1 (GTP binding elongation factor GUF1; plus strand). Cytogenetic location: 4p12.
Variant type: single nucleotide variant.
Coding change: c.1703C>T on transcript NM_021927.3 (MANE Select); coding-DNA position 1703, C replaced by T.
Protein change: p.Thr568Ile; replaces threonine 568 with isoleucine.
Molecular consequence: missense variant.
Genome position (GRCh38, 1-based): chr4:44,694,501, C>T. VCF-style: chr4-44694501-C-T. GRCh37 (hg19) VCF-style: chr4-44696518-C-T.
Other names: c.731C>T, p.Thr244Ile (NM_001345867.2, NM_001345869.2); c.1703C>T, p.Thr568Ile (NM_001345868.2); c.1703C>T (NM_021927.2); short protein forms T568I, T244I.
Identifiers: ClinVar variation 1444017 (VCV001444017.9), dbSNP rs374573876, ClinGen allele CA2905720.